The following is an entry in ClinVar:

NM_012294.5(RAPGEF5):c.870+6A>T

Gene: RAPGEF5 (Rap guanine nucleotide exchange factor 5; minus strand). Cytogenetic location: 7p15.3.
Variant type: single nucleotide variant.
Coding change: c.870+6A>T on transcript NM_012294.5 (MANE Select); 6 bases into the intron after coding-DNA position 870, A replaced by T.
Molecular consequence: intron variant.
Genome position (GRCh38, 1-based): chr7:22,230,840, T>A on the plus strand (A>T on the coding strand, the complement: RAPGEF5 is on the minus strand). VCF-style: chr7-22230840-T-A. GRCh37 (hg19) VCF-style: chr7-22270459-T-A.
Identifiers: ClinVar variation 2657347 (VCV002657347.24), dbSNP rs765504656, ClinGen allele CA4184852.

ClinVar aggregate classification (germline): Likely benign (1 of 4 stars; one submission).

Allele frequency attached by ClinVar (database versions not stated): ExAC 0.00004; gnomAD exomes 0.00001.
gnomAD v4.1: 7 of 1,564,086 alleles (0.00045%); highest among the groups gnomAD compares: Non-Finnish European, 0.00061%; no homozygotes.

Submission:

CeGaT Center for Human Genetics Tuebingen
Classification: Likely benign. Last evaluated: 2023-01-01. Review status: criteria provided, single submitter. Criteria: CeGaT Center For Human Genetics Tuebingen Variant Classification Criteria Version 2. Collection method: clinical testing. Allele origin: germline. Affected: yes. Observed: 1 variant allele.
Comment: RAPGEF5: BP4, BS2